The following is an entry in ClinVar:

ClinVar aggregate classification (germline): Uncertain significance (1 of 4 stars; one submission).

Conditions:
Intellectual developmental disorder, autosomal dominant 53. Also called: MENTAL RETARDATION, AUTOSOMAL DOMINANT 53; Intellectual disability, autosomal dominant 53. Identifiers: MedGen C4540481, MONDO:0030919, OMIM 617798.

Submission:

Juno Genomics, Hangzhou Juno Genomics, Inc
Classification: Uncertain significance for Intellectual developmental disorder, autosomal dominant 53. Review status: criteria provided, single submitter. Criteria: ACMG Guidelines, 2015. Collection method: clinical testing. Allele origin: germline. Affected: yes.
Comment: Absent from controls (or at extremely low frequency if recessive) in Genome Aggregation Database.;Null variant in a gene where loss of function (LOF) is a known mechanism of disease.

NM_015981.4(CAMK2A):c.6del (p.Thr3fs)

Gene: CAMK2A (calcium/calmodulin dependent protein kinase II alpha; minus strand). Cytogenetic location: 5q32.
Variant type: Deletion.
Coding change: c.6del on transcript NM_015981.4 (MANE Select); coding-DNA position 6, one base deleted (C; older notation c.6delC).
Protein change: p.Thr3fs; shifts the reading frame from threonine 3.
Molecular consequence: frameshift variant.
Genome position (GRCh38, 1-based): chr5:150,289,620, G deleted on the plus strand (C on the coding strand, the reverse complement: CAMK2A is on the minus strand); the first of 2 consecutive G bases (chr5:150,289,620-150,289,621); deleting either gives the same sequence. VCF-style (leftmost placement, unchanged base first): chr5-150289619-TG-T. GRCh37 (hg19) VCF-style: chr5-149669182-TG-T.
Other names: c.6del, p.Thr3fs (NM_001363989.1, NM_001363990.1, NM_001369025.2 and 1 more transcripts); short protein forms T3fs.
Identifiers: ClinVar variation 5007680 (VCV005007680.1).